The following is an entry in ClinVar:

NM_017613.4(DONSON):c.651C>G (p.Ser217Arg)

Gene: DONSON (DNA replication fork stabilization factor DONSON; minus strand). Cytogenetic location: 21q22.11.
Variant type: single nucleotide variant.
Coding change: c.651C>G on transcript NM_017613.4 (MANE Select); coding-DNA position 651, C replaced by G.
Protein change: p.Ser217Arg; replaces serine 217 with arginine.
Molecular consequence: missense variant.
Genome position (GRCh38, 1-based): chr21:33,584,724, G>C on the plus strand (C>G on the coding strand, the complement: DONSON is on the minus strand). VCF-style: chr21-33584724-G-C. GRCh37 (hg19) VCF-style: chr21-34957030-G-C.
Other names: short protein forms S217R.
Identifiers: ClinVar variation 1896621 (VCV001896621.2), dbSNP rs751861655, ClinGen allele CA10010540.

ClinVar aggregate classification (germline): Uncertain significance (1 of 4 stars; one submission).

Submission:

Labcorp Genetics (formerly Invitae), Labcorp
Classification: Uncertain significance. Last evaluated: 2021-08-11. Review status: criteria provided, single submitter. Criteria: Invitae Variant Classification Sherloc (09022015). Collection method: clinical testing. Allele origin: germline.
Comment: This sequence change replaces serine with arginine at codon 217 of the DONSON protein (p.Ser217Arg). The serine residue is moderately conserved and there is a moderate physicochemical difference between serine and arginine. This variant is present in population databases (rs751861655, ExAC 0.02%). This variant has not been reported in the literature in individuals affected with DONSON-related conditions. Algorithms developed to predict the effect of missense changes on protein structure and function are either unavailable or do not agree on the potential impact of this missense change (SIFT: "Tolerated"; PolyPhen-2: "Possibly Damaging"; Align-GVGD: "Class C0"). In summary, the available evidence is currently insufficient to determine the role of this variant in disease. Therefore, it has been classified as a Variant of Uncertain Significance.